The following is an entry in ClinVar:

ClinVar aggregate classification (germline): Uncertain significance. Review status: criteria provided, multiple submitters, no conflicts (2 of 4 stars). 2 submissions from 2 submitters: Uncertain significance (2). Last evaluated 2025-08-04.

Conditions:
Inborn genetic diseases. Identifiers: MedGen C0950123, MeSH D030342.

Allele frequency attached by ClinVar (database versions not stated): gnomAD exomes 0.00001; ExAC 0.00002; TOPMed 0.00004; gnomAD 0.00003.
gnomAD v4.1: 18 of 1,613,740 alleles (0.0011%); highest among the groups gnomAD compares: African/African-American, 0.0093%; no homozygotes.

Submissions (2):

Labcorp Genetics (formerly Invitae), Labcorp
Classification: Uncertain significance. Last evaluated: 2025-08-04. Review status: criteria provided, single submitter. Criteria: Invitae Variant Classification Sherloc (09022015). Collection method: clinical testing. Allele origin: germline.
Comment: This sequence change replaces proline, which is neutral and non-polar, with leucine, which is neutral and non-polar, at codon 753 of the TRPV3 protein (p.Pro753Leu). This variant is present in population databases (rs767538050, gnomAD 0.006%). This variant has not been reported in the literature in individuals affected with TRPV3-related conditions. ClinVar contains an entry for this variant (Variation ID: 2893857). Invitae Evidence Modeling of protein sequence and biophysical properties (such as structural, functional, and spatial information, amino acid conservation, physicochemical variation, residue mobility, and thermodynamic stability) indicates that this missense variant is not expected to disrupt TRPV3 protein function with a negative predictive value of 95%. In summary, the available evidence is currently insufficient to determine the role of this variant in disease. Therefore, it has been classified as a Variant of Uncertain Significance.

Ambry Genetics
Classification: Uncertain significance for Inborn genetic diseases. Last evaluated: 2023-12-15. Review status: criteria provided, single submitter. Criteria: Ambry Variant Classification Scheme 2023. Collection method: clinical testing. Allele origin: germline.

NM_145068.4(TRPV3):c.2258C>T (p.Pro753Leu)

Gene: TRPV3 (transient receptor potential cation channel subfamily V member 3; minus strand). Cytogenetic location: 17p13.2.
Variant type: single nucleotide variant.
Coding change: c.2258C>T on transcript NM_145068.4 (MANE Select); coding-DNA position 2258, C replaced by T.
Protein change: p.Pro753Leu; replaces proline 753 with leucine.
Molecular consequence: missense variant.
Genome position (GRCh38, 1-based): chr17:3,514,613, G>A on the plus strand (C>T on the coding strand, the complement: TRPV3 is on the minus strand). VCF-style: chr17-3514613-G-A. GRCh37 (hg19) VCF-style: chr17-3417907-G-A.
Other names: c.2258C>T (NM_145068.2); c.2258C>T, p.Pro753Leu (NM_001258205.2); short protein forms P753L.
Identifiers: ClinVar variation 2893857 (VCV002893857.4), dbSNP rs767538050, ClinGen allele CA8289154.